The following is an entry in ClinVar:

NM_004385.5(VCAN):c.347C>T (p.Thr116Ile)

Gene: VCAN (versican; plus strand). Cytogenetic location: 5q14.2.
Variant type: single nucleotide variant.
Coding change: c.347C>T on transcript NM_004385.5 (MANE Select); coding-DNA position 347, C replaced by T.
Protein change: p.Thr116Ile; replaces threonine 116 with isoleucine.
Molecular consequence: missense variant.
Genome position (GRCh38, 1-based): chr5:83,490,374, C>T. VCF-style: chr5-83490374-C-T. GRCh37 (hg19) VCF-style: chr5-82786193-C-T.
Other names: c.347C>T, p.Thr116Ile (NM_001126336.3, NM_001164097.2, NM_001164098.2); c.347C>T (NM_004385.4); short protein forms T116I.
Identifiers: ClinVar variation 1921584 (VCV001921584.7), dbSNP rs1490526326, ClinGen allele CA360295790.
Genomic context (GRCh38, chr5:83,490,374, plus strand): 5'-ACTACAAAGGGAGAGTGTCTGTGCCCACACATCCCGAGGCTGTGGGCGATGCCTCCCTCA[C>T]TGTGGTCAAGCTGCTGGCAAGTGATGCGGGTCTTTACCGCTGTGACGTCATGTACGGGAT-3'
Protein context (NP_004376.2, residues 106-126): HPEAVGDASL[Thr116Ile]VVKLLASDAG

ClinVar aggregate classification (germline): Uncertain significance. Review status: criteria provided, multiple submitters, no conflicts (2 of 4 stars). 3 submissions from 3 submitters: Uncertain significance (3). Last evaluated 2025-08-18.

Conditions:
Inborn genetic diseases. Identifiers: MedGen C0950123, MeSH D030342.

Allele frequency attached by ClinVar (database versions not stated): gnomAD 0.00001; TOPMed 0.00001.
gnomAD v4.1: 4 of 1,614,090 alleles (0.00025%); highest among the groups gnomAD compares: African/African-American, 0.0013%; no homozygotes.

Submissions (3):

Labcorp Genetics (formerly Invitae), Labcorp
Classification: Uncertain significance. Last evaluated: 2025-08-18. Review status: criteria provided, single submitter. Criteria: Invitae Variant Classification Sherloc (09022015). Collection method: clinical testing. Allele origin: germline.
Comment: This sequence change replaces threonine, which is neutral and polar, with isoleucine, which is neutral and non-polar, at codon 116 of the VCAN protein (p.Thr116Ile). This variant is present in population databases (no rsID available, gnomAD 0.007%). This variant has not been reported in the literature in individuals affected with VCAN-related conditions. ClinVar contains an entry for this variant (Variation ID: 1921584). An algorithm developed to predict the effect of missense changes on protein structure and function (PolyPhen-2) suggests that this variant is likely to be tolerated. In summary, the available evidence is currently insufficient to determine the role of this variant in disease. Therefore, it has been classified as a Variant of Uncertain Significance.

Ambry Genetics
Classification: Uncertain significance for Inborn genetic diseases. Last evaluated: 2025-02-04. Review status: criteria provided, single submitter. Criteria: Ambry Variant Classification Scheme 2023. Collection method: clinical testing. Allele origin: germline.

Blueprint Genetics
Classification: Uncertain significance. Last evaluated: 2024-11-04. Review status: criteria provided, single submitter. Criteria: ACMG Guidelines, 2015. Collection method: clinical testing. Allele origin: germline.